The following is an entry in ClinVar:

ClinVar aggregate classification (germline): Pathogenic/Likely pathogenic. Review status: criteria provided, multiple submitters, no conflicts (2 of 4 stars). 9 submissions from 9 submitters: Pathogenic (6); Likely pathogenic (2). 1 of the submissions does not count toward it. Last evaluated 2025-07-10.

Conditions:
Retinal dystrophy. Also called: Inherited retinal dystrophy. Identifiers: Orphanet 71862, MedGen C0854723, MeSH D058499, MONDO:0019118, HP:0000556.
Retinitis pigmentosa 39 (RP39). Identifiers: Orphanet 791, MedGen C3151138, MONDO:0013436, OMIM 613809.
Usher syndrome type 2A. Also called: RETINAL DISEASE IN USHER SYNDROME TYPE IIA, MODIFIER OF; USHER SYNDROME, TYPE IIA. Identifiers: Orphanet 231178, Orphanet 886, MedGen C1848634, MONDO:0010169, OMIM 276901.
USH2A-related disorder. Also called: USH2A-related disorders; USH2A-related condition. Identifiers: MedGen CN239332.

Allele frequency attached by ClinVar (database versions not stated): ExAC 0.00001; gnomAD exomes 0.00001 and 0.00002; TOPMed 0.00001.
gnomAD v4.1: 24 of 1,614,008 alleles (0.0015%); highest among the groups gnomAD compares: East Asian, 0.049%; no homozygotes.

Submissions (9):

Natera, Inc.
Classification: Pathogenic for Usher syndrome type 2A. Last evaluated: 2025-07-10. Review status: criteria provided, single submitter. Criteria: Natera Variant Classification Schema (03/2026). Collection method: clinical testing. Allele origin: germline.
Comment: The c.10859T>C variant in USH2A is a missense variant predicted to cause substitution of isoleucine to threonine at amino acid 3620. This variant is rare in the general population with a frequency below the threshold expected for the associated phenotype(s). This variant has been observed in one or more individuals affected with the associated recessive disease, as either homozygous or compound heterozygous with a second variant (PMID: 31904091, 30029497, 33124170). Computational prediction algorithms indicate this variant is likely to affect gene or protein function. Given the available evidence, this variant is classified as Pathogenic.

Labcorp Genetics (formerly Invitae), Labcorp
Classification: Pathogenic. Last evaluated: 2024-10-09. Review status: criteria provided, single submitter. Criteria: Invitae Variant Classification Sherloc (09022015). Collection method: clinical testing. Allele origin: germline.
Comment: This sequence change replaces isoleucine, which is neutral and non-polar, with threonine, which is neutral and polar, at codon 3620 of the USH2A protein (p.Ile3620Thr). This variant is present in population databases (rs779716464, gnomAD 0.01%). This missense change has been observed in individual(s) with USH2A-related conditions (PMID: 24043777, 25268133, 30029497, 30733538, 31904091; internal data). In at least one individual the data is consistent with being in trans (on the opposite chromosome) from a pathogenic variant. ClinVar contains an entry for this variant (Variation ID: 551066). Invitae Evidence Modeling of protein sequence and biophysical properties (such as structural, functional, and spatial information, amino acid conservation, physicochemical variation, residue mobility, and thermodynamic stability) indicates that this missense variant is expected to disrupt USH2A protein function with a positive predictive value of 95%. For these reasons, this variant has been classified as Pathogenic.

3billion
Classification: Likely pathogenic for Retinitis pigmentosa 39. Last evaluated: 2024-06-20. Review status: criteria provided, single submitter. Criteria: ACMG Guidelines, 2015. Collection method: clinical testing. Allele origin: germline. Affected: yes.
Comment: The variant is observed at an extremely low frequency in the gnomAD v4.0.0 dataset (total allele frequency: 0.002%). Predicted Consequence/Location: The majority of the known disease-causing variants of this gene are variants expected to result in premature termination of the protein. In silico tool predictions suggest damaging effect of the variant on gene or gene product [REVEL: 0.76 (>=0.6, sensitivity 0.68 and specificity 0.92)]. The same nucleotide change resulting in the same amino acid change has been previously reported as pathogenic/likely pathogenic with strong evidence (ClinVar ID: VCV000551066 /PMID: 25268133, 30029497 /3billion dataset). Different missense changes at the same codon (p.Ile3620Ser, p.Ile3620Val) have been reported to be associated with USH2A related disorder (PMID: 26969326, 33124170). Therefore, this variant is classified as Likely pathogenic according to the recommendation of ACMG/AMP guideline.

Baylor Genetics
Classification: Pathogenic for Retinitis pigmentosa 39. Last evaluated: 2023-11-12. Review status: criteria provided, single submitter. Criteria: ACMG Guidelines, 2015. Collection method: clinical testing. Allele origin: unknown.

Dept Of Ophthalmology, Nagoya University
Classification: Pathogenic for Retinal dystrophy. Last evaluated: 2023-10-01. Review status: criteria provided, single submitter. Criteria: Submitter's publication. Collection method: research. Allele origin: germline. Affected: yes.

Blueprint Genetics
Classification: Pathogenic for USH2A-related disorders. Last evaluated: 2022-04-22. Review status: criteria provided, single submitter. Criteria: ACMG Guidelines, 2015. Collection method: clinical testing. Allele origin: germline. Affected: yes. Observed: 5 variant alleles.

Institute of Human Genetics, Univ. Regensburg, Univ. Regensburg
Classification: Likely pathogenic for Retinal dystrophy. Last evaluated: 2019-01-01. Review status: criteria provided, single submitter. Criteria: ACMG Guidelines, 2015. Collection method: clinical testing. Allele origin: germline. Affected: yes.

Juno Genomics, Hangzhou Juno Genomics, Inc
Classification: Pathogenic for Retinitis pigmentosa 39; Usher syndrome type 2A. Review status: criteria provided, single submitter. Criteria: ACMG Guidelines, 2015. Collection method: clinical testing. Allele origin: germline.
Comment: Multiple lines of computational evidence support a deleterious effect on the gene or gene product.;For recessive disorders, detected in trans with a pathogenic variant.;Patient's phenotype or family history is highly specific for a disease with a single genetic etiology.

Counsyl
Classification: Uncertain significance for Usher syndrome type 2A; Retinitis pigmentosa 39. Last evaluated: 2017-03-13. Review status: flagged submission. Collection method: clinical testing. Allele origin: unknown. Not counted in ClinVar's aggregate classification.
ClinVar note: Reason: Older and outlier claim with insufficient supporting evidence

Literature cited by the submitters: PubMed 31904091 (cited by 3 submitters); PubMed 30029497 (cited by 3 submitters); PubMed 33124170 (cited by Natera, Inc. and Institute of Human Genetics, Univ. Regensburg, Univ. Regensburg); PubMed 24043777 (cited by Labcorp Genetics (formerly Invitae), Labcorp and Counsyl); PubMed 25268133 (cited by 4 submitters); PubMed 30733538 (cited by Labcorp Genetics (formerly Invitae), Labcorp and Institute of Human Genetics, Univ. Regensburg, Univ. Regensburg); PubMed 26969326 (cited by 3billion); PubMed 31054281 (cited by Institute of Human Genetics, Univ. Regensburg, Univ. Regensburg); PubMed 31213501 (cited by Institute of Human Genetics, Univ. Regensburg, Univ. Regensburg); PubMed 31964843 (cited by Institute of Human Genetics, Univ. Regensburg, Univ. Regensburg); PubMed 33105608 (cited by Institute of Human Genetics, Univ. Regensburg, Univ. Regensburg); PubMed 32531858 (cited by Institute of Human Genetics, Univ. Regensburg, Univ. Regensburg); PubMed 33781268 (cited by Institute of Human Genetics, Univ. Regensburg, Univ. Regensburg); PubMed 32188678 (cited by Institute of Human Genetics, Univ. Regensburg, Univ. Regensburg); PubMed 34426522 (cited by Institute of Human Genetics, Univ. Regensburg, Univ. Regensburg); PubMed 33629268 (cited by Institute of Human Genetics, Univ. Regensburg, Univ. Regensburg); PubMed 32675063 (cited by Institute of Human Genetics, Univ. Regensburg, Univ. Regensburg); PubMed 36284460 (cited by Institute of Human Genetics, Univ. Regensburg, Univ. Regensburg); PubMed 36819107 (cited by Institute of Human Genetics, Univ. Regensburg, Univ. Regensburg).

NM_206933.4(USH2A):c.10859T>C (p.Ile3620Thr)

Gene: USH2A (usherin; minus strand). Cytogenetic location: 1q41.
Variant type: single nucleotide variant.
Coding change: c.10859T>C on transcript NM_206933.4 (MANE Select); coding-DNA position 10859, T replaced by C.
Protein change: p.Ile3620Thr; replaces isoleucine 3620 with threonine.
Molecular consequence: missense variant.
Genome position (GRCh38, 1-based): chr1:215,779,923, A>G on the plus strand (T>C on the coding strand, the complement: USH2A is on the minus strand). VCF-style: chr1-215779923-A-G. GRCh37 (hg19) VCF-style: chr1-215953265-A-G.
Other names: short protein forms I3620T.
Identifiers: ClinVar variation 551066 (VCV000551066.20), dbSNP rs779716464, ClinGen allele CA1393903.